The following is an entry in ClinVar:

NM_002470.4(MYH3):c.5286C>T (p.Asp1762=)

Gene: MYH3 (myosin heavy chain 3; minus strand). Cytogenetic location: 17p13.1.
Variant type: single nucleotide variant.
Coding change: c.5286C>T on transcript NM_002470.4 (MANE Select); coding-DNA position 5286, C replaced by T.
Protein change: p.Asp1762=; no amino-acid change (aspartic acid 1762 retained).
Molecular consequence: synonymous variant.
Genome position (GRCh38, 1-based): chr17:10,631,611, G>A on the plus strand (C>T on the coding strand, the complement: MYH3 is on the minus strand). VCF-style: chr17-10631611-G-A. GRCh37 (hg19) VCF-style: chr17-10534928-G-A.
Identifiers: ClinVar variation 4701786 (VCV004701786.1).

ClinVar aggregate classification (germline): Uncertain significance (1 of 4 stars; one submission).

gnomAD v4.1: 17 of 1,614,050 alleles (0.0011%); highest among the groups gnomAD compares: African/African-American, 0.0013%; no homozygotes.

Submission:

Labcorp Genetics (formerly Invitae), Labcorp
Classification: Uncertain significance. Last evaluated: 2026-02-01. Review status: criteria provided, single submitter. Criteria: Invitae Variant Classification Sherloc (09022015). Collection method: clinical testing. Allele origin: germline.
Comment: This sequence change affects codon 1762 of the MYH3 mRNA. It is a 'silent' change, meaning that it does not change the encoded amino acid sequence of the MYH3 protein. It affects a nucleotide within the consensus splice site. This variant is present in population databases (rs552501098, gnomAD 0.003%). This variant has not been reported in the literature in individuals affected with MYH3-related conditions. Algorithms developed to predict the effect of sequence changes on RNA splicing suggest that this variant is not likely to affect RNA splicing. In summary, the available evidence is currently insufficient to determine the role of this variant in disease. Therefore, it has been classified as a Variant of Uncertain Significance.